The following is an entry in ClinVar:

NM_003626.5(PPFIA1):c.3139+9A>C

Genes: CTTN-DT (CTTN divergent transcript; minus strand), PPFIA1 (PTPRF interacting protein alpha 1; plus strand). Cytogenetic location: 11q13.3.
Variant type: single nucleotide variant.
Coding change: c.3139+9A>C on transcript NM_003626.5 (MANE Select); 9 bases into the intron after coding-DNA position 3139, A replaced by C.
Molecular consequence: intron variant.
Genome position (GRCh38, 1-based): chr11:70,372,583, A>C. VCF-style: chr11-70372583-A-C. GRCh37 (hg19) VCF-style: chr11-70218689-A-C.
Other names: c.3334+9A>C (NM_001378006.1); c.3139+9A>C (NM_177423.3).
Identifiers: ClinVar variation 3052978 (VCV003052978.2), dbSNP rs745924946, ClinGen allele CA6159582.

ClinVar aggregate classification (germline): Likely benign (0 of 4 stars; one submission).

Conditions:
PPFIA1-related disorder. Also called: PPFIA1-related condition.

gnomAD v4.1: 259 of 1,591,428 alleles (0.016%); highest among the groups gnomAD compares: Non-Finnish European, 0.021%; no homozygotes.

Submission:

PreventionGenetics, part of Exact Sciences
Classification: Likely benign for PPFIA1-related condition. Last evaluated: 2019-08-26. Review status: no assertion criteria provided. Collection method: clinical testing. Allele origin: germline.
Comment: This variant is classified as likely benign based on ACMG/AMP sequence variant interpretation guidelines (Richards et al. 2015 PMID: 25741868, with internal and published modifications).